The following is an entry in ClinVar:

ClinVar aggregate classification (germline): Conflicting classifications of pathogenicity. Review status: criteria provided, conflicting classifications (1 of 4 stars). 5 submissions from 4 submitters: Uncertain significance (4); Likely benign (1). Last evaluated 2025-01-12.

Conditions:
Developmental and epileptic encephalopathy, 14 (DEE14). Also called: Early infantile epileptic encephalopathy 14. Identifiers: Orphanet 293181, MedGen C3554195, MONDO:0013989, OMIM 614959.
Autosomal dominant nocturnal frontal lobe epilepsy 5. Also called: Epilepsy, nocturnal frontal lobe, 5; KCNT1-Related Epilepsy; CILIARY DYSKINESIA, PRIMARY, 28, WITHOUT SITUS INVERSUS; CILIARY DYSKINESIA, PRIMARY, 28, WITH SITUS INVERSUS. Identifiers: Orphanet 98784, MedGen C3554306, MONDO:0014002, OMIM 615005.
Inborn genetic diseases. Identifiers: MedGen C0950123, MeSH D030342.

Allele frequency attached by ClinVar (database versions not stated): gnomAD exomes 0.00002 and 0.00003; gnomAD 0.00003 and 0.00004; TOPMed 0.00004; ExAC 0.00005; ESP Exome Variant Server 0.00008.
gnomAD v4.1: 36 of 1,612,622 alleles (0.0022%); highest among the groups gnomAD compares: Middle Eastern, 0.016%; no homozygotes.

Submissions (5):

Labcorp Genetics (formerly Invitae), Labcorp
Classification: Uncertain significance for Autosomal dominant nocturnal frontal lobe epilepsy 5; Developmental and epileptic encephalopathy, 14. Last evaluated: 2025-01-12. Review status: criteria provided, single submitter. Criteria: Invitae Variant Classification Sherloc (09022015). Collection method: clinical testing. Allele origin: germline.
Comment: This sequence change replaces arginine, which is basic and polar, with histidine, which is basic and polar, at codon 1020 of the KCNT1 protein (p.Arg1020His). This variant is present in population databases (rs373365707, gnomAD 0.007%). This variant has not been reported in the literature in individuals affected with KCNT1-related conditions. ClinVar contains an entry for this variant (Variation ID: 548573). Invitae Evidence Modeling of protein sequence and biophysical properties (such as structural, functional, and spatial information, amino acid conservation, physicochemical variation, residue mobility, and thermodynamic stability) indicates that this missense variant is not expected to disrupt KCNT1 protein function with a negative predictive value of 80%. In summary, the available evidence is currently insufficient to determine the role of this variant in disease. Therefore, it has been classified as a Variant of Uncertain Significance.

Revvity Omics, Revvity
Classification: Uncertain significance. Last evaluated: 2020-03-27. Review status: criteria provided, single submitter. Criteria: ACMG Guidelines, 2015. Collection method: clinical testing. Allele origin: germline.

Ambry Genetics
Classification: Likely benign for Inborn genetic diseases. Last evaluated: 2018-05-14. Review status: criteria provided, single submitter. Criteria: Ambry Variant Classification Scheme 2023. Collection method: clinical testing. Allele origin: germline.

Genomic Research Center, Shahid Beheshti University of Medical Sciences
Classification: Uncertain significance for Developmental and epileptic encephalopathy, 14. Last evaluated: 2018-03-05. Review status: criteria provided, single submitter. Criteria: ACMG Guidelines, 2015. Collection method: clinical testing. Allele origin: inherited. Affected: yes. Observed: 1 variant allele.

Genomic Research Center, Shahid Beheshti University of Medical Sciences
Classification: Uncertain significance for Autosomal dominant nocturnal frontal lobe epilepsy 5. Last evaluated: 2018-03-05. Review status: criteria provided, single submitter. Criteria: ACMG Guidelines, 2015. Collection method: clinical testing. Allele origin: inherited. Affected: yes. Observed: 1 variant allele.

NM_020822.3(KCNT1):c.3059G>A (p.Arg1020His)

Gene: KCNT1 (potassium sodium-activated channel subfamily T member 1; plus strand). Cytogenetic location: 9q34.3.
Variant type: single nucleotide variant.
Coding change: c.3059G>A on transcript NM_020822.3 (MANE Select); coding-DNA position 3059, G replaced by A.
Protein change: p.Arg1020His; replaces arginine 1020 with histidine.
Molecular consequence: missense variant.
Genome position (GRCh38, 1-based): chr9:135,784,792, G>A. VCF-style: chr9-135784792-G-A. GRCh37 (hg19) VCF-style: chr9-138676638-G-A.
Other names: c.2924G>A, p.Arg975His (NM_001272003.2); short protein forms R1020H, R975H.
Identifiers: ClinVar variation 548573 (VCV000548573.20), dbSNP rs373365707, ClinGen allele CA5327599.